The following is an entry in ClinVar:

ClinVar aggregate classification (germline): Uncertain significance (1 of 4 stars; one submission).

Allele frequency attached by ClinVar (database versions not stated): TOPMed below 0.00001.
gnomAD v4.1: 13 of 1,606,720 alleles (0.00081%); highest among the groups gnomAD compares: East Asian, 0.0022%; no homozygotes.

Submission:

Labcorp Genetics (formerly Invitae), Labcorp
Classification: Uncertain significance. Last evaluated: 2024-07-15. Review status: criteria provided, single submitter. Criteria: Invitae Variant Classification Sherloc (09022015). Collection method: clinical testing. Allele origin: germline.
Comment: This sequence change replaces isoleucine, which is neutral and non-polar, with valine, which is neutral and non-polar, at codon 294 of the SNIP1 protein (p.Ile294Val). This variant is present in population databases (rs760446970, gnomAD 0.007%). This variant has not been reported in the literature in individuals affected with SNIP1-related conditions. ClinVar contains an entry for this variant (Variation ID: 1433643). Advanced modeling of protein sequence and biophysical properties (such as structural, functional, and spatial information, amino acid conservation, physicochemical variation, residue mobility, and thermodynamic stability) performed at Invitae indicates that this missense variant is not expected to disrupt SNIP1 protein function with a negative predictive value of 80%. In summary, the available evidence is currently insufficient to determine the role of this variant in disease. Therefore, it has been classified as a Variant of Uncertain Significance.

NM_024700.4(SNIP1):c.880A>G (p.Ile294Val)

Genes: SNIP1 (Smad nuclear interacting protein 1; minus strand), LOC126805704 (BRD4-independent group 4 enhancer GRCh37_chr1:38005292-38006491; plus strand). Cytogenetic location: 1p34.3.
Variant type: single nucleotide variant.
Coding change: c.880A>G on transcript NM_024700.4 (MANE Select); coding-DNA position 880, A replaced by G.
Protein change: p.Ile294Val; replaces isoleucine 294 with valine.
Molecular consequence: missense variant.
Genome position (GRCh38, 1-based): chr1:37,540,203, T>C on the plus strand (A>G on the coding strand, the complement: SNIP1 is on the minus strand). VCF-style: chr1-37540203-T-C. GRCh37 (hg19) VCF-style: chr1-38005804-T-C.
Other names: short protein forms I294V.
Identifiers: ClinVar variation 1433643 (VCV001433643.6), dbSNP rs760446970, ClinGen allele CA771257.